The following is an entry in ClinVar:

NM_198252.3(GSN):c.-9-1958G>T

Gene: GSN (gelsolin; plus strand). Cytogenetic location: 9q33.2.
Variant type: single nucleotide variant.
Coding change: c.-9-1958G>T on transcript NM_198252.3 (MANE Select); 1958 bases into the intron before 9 bases upstream of the start codon, G replaced by T.
Molecular consequence: intron variant. On other transcripts: synonymous variant (1).
Genome position (GRCh38, 1-based): chr9:121,300,005, G>T. VCF-style: chr9-121300005-G-T. GRCh37 (hg19) VCF-style: chr9-124062283-G-T.
Other names: c.144G>T, p.Arg48= (NM_000177.5); c.-9-1958G>T (NM_001353054.1, NM_001353053.1, NM_001353060.2 and 5 more transcripts); c.-47-51G>T (NM_001353064.2, NM_001353066.2, NM_001353072.2 and 8 more transcripts); c.-1-1966G>T (NM_001353058.2, NM_001353059.2, NM_001353056.2 and 1 more transcripts); c.-38-60G>T (NM_001353073.2, NM_001353065.2, NM_001353068.2 and 2 more transcripts); c.100-1958G>T (NM_001127663.2); c.-32-66G>T (NM_001353070.2); c.-48-1919G>T (NM_001353055.2); and 3 more.
Identifiers: ClinVar variation 4710209 (VCV004710209.1).

ClinVar aggregate classification (germline): Uncertain significance (1 of 4 stars; one submission).

Submission:

Labcorp Genetics (formerly Invitae), Labcorp
Classification: Uncertain significance. Last evaluated: 2025-07-05. Review status: criteria provided, single submitter. Criteria: Invitae Variant Classification Sherloc (09022015). Collection method: clinical testing. Allele origin: germline.
Comment: This sequence change affects codon 48 of the GSN mRNA. It is a 'silent' change, meaning that it does not change the encoded amino acid sequence of the GSN protein. This variant also falls at the last nucleotide of exon 1, which is part of the consensus splice site for this exon. This variant is not present in population databases (gnomAD no frequency). This variant has not been reported in the literature in individuals affected with GSN-related conditions. Variants that disrupt the consensus splice site are a relatively common cause of aberrant splicing (PMID: 17576681, 9536098). Algorithms developed to predict the effect of sequence changes on RNA splicing suggest that this variant may disrupt the consensus splice site. In summary, the available evidence is currently insufficient to determine the role of this variant in disease. Therefore, it has been classified as a Variant of Uncertain Significance.

Literature cited by the submitters: PubMed 17576681; PubMed 9536098.